The following is an entry in ClinVar:

NM_025114.4(CEP290):c.2482A>T (p.Ser828Cys)

Gene: CEP290 (centrosomal protein 290; minus strand). Cytogenetic location: 12q21.32.
Variant type: single nucleotide variant.
Coding change: c.2482A>T on transcript NM_025114.4 (MANE Select); coding-DNA position 2482, A replaced by T.
Protein change: p.Ser828Cys; replaces serine 828 with cysteine.
Molecular consequence: missense variant.
Genome position (GRCh38, 1-based): chr12:88,109,067, T>A on the plus strand (A>T on the coding strand, the complement: CEP290 is on the minus strand). VCF-style: chr12-88109067-T-A. GRCh37 (hg19) VCF-style: chr12-88502844-T-A.
Other names: short protein forms S828C.
Identifiers: ClinVar variation 1715500 (VCV001715500.6), dbSNP rs2038490984, ClinGen allele CA385972479.

ClinVar aggregate classification (germline): Uncertain significance (1 of 4 stars; one submission).

Conditions:
Nephronophthisis. Also called: Juvenile Nephronophthisis. Identifiers: Orphanet 655, MedGen C0687120, MONDO:0019005, HP:0000090.
Meckel-Gruber syndrome. Also called: DYSENCEPHALIA SPLANCHNOCYSTICA; GRUBER SYNDROME; Dysencephalia splachnocystica. Identifiers: Orphanet 564, MedGen C0265215, MONDO:0018921.
Joubert syndrome. Also called: CEREBELLOPARENCHYMAL DISORDER IV; JOUBERT-BOLTSHAUSER SYNDROME; Familial aplasia of the vermis. Identifiers: Orphanet 475, MedGen C5979921, MONDO:0018772.

Submission:

Labcorp Genetics (formerly Invitae), Labcorp
Classification: Uncertain significance for Joubert syndrome; Meckel-Gruber syndrome; Nephronophthisis. Last evaluated: 2022-11-02. Review status: criteria provided, single submitter. Criteria: Invitae Variant Classification Sherloc (09022015). Collection method: clinical testing. Allele origin: germline.
Comment: Algorithms developed to predict the effect of missense changes on protein structure and function are either unavailable or do not agree on the potential impact of this missense change (SIFT: "Deleterious"; PolyPhen-2: "Probably Damaging"; Align-GVGD: "Class C0"). This missense change has been observed in individual(s) with CEP290-related conditions (Invitae). This variant is not present in population databases (gnomAD no frequency). This sequence change replaces serine, which is neutral and polar, with cysteine, which is neutral and slightly polar, at codon 828 of the CEP290 protein (p.Ser828Cys). Algorithms developed to predict the effect of sequence changes on RNA splicing suggest that this variant may create or strengthen a splice site. In summary, the available evidence is currently insufficient to determine the role of this variant in disease. Therefore, it has been classified as a Variant of Uncertain Significance.